The following is an entry in ClinVar:

NM_000528.4(MAN2B1):c.554A>G (p.Asn185Ser)

Gene: MAN2B1 (mannosidase alpha class 2B member 1; minus strand). Cytogenetic location: 19p13.13.
Variant type: single nucleotide variant.
Coding change: c.554A>G on transcript NM_000528.4 (MANE Select); coding-DNA position 554, A replaced by G.
Protein change: p.Asn185Ser; replaces asparagine 185 with serine.
Molecular consequence: missense variant.
Genome position (GRCh38, 1-based): chr19:12,664,868, T>C on the plus strand (A>G on the coding strand, the complement: MAN2B1 is on the minus strand). VCF-style: chr19-12664868-T-C. GRCh37 (hg19) VCF-style: chr19-12775682-T-C.
Other names: c.554A>G (NM_000528.3); c.554A>G, p.Asn185Ser (NM_001173498.2); short protein forms N185S.
Identifiers: ClinVar variation 2418718 (VCV002418718.4), dbSNP rs2024189461, ClinGen allele CA404254794.

ClinVar aggregate classification (germline): Conflicting classifications of pathogenicity. Review status: criteria provided, conflicting classifications (1 of 4 stars). 2 submissions from 2 submitters: Uncertain significance (1); Likely benign (1). Last evaluated 2025-08-06.

Conditions:
Inborn genetic diseases. Identifiers: MedGen C0950123, MeSH D030342.
Deficiency of alpha-mannosidase (MANSA). Also called: Alpha-Mannosidosis; Mannosidosis, alpha-, types I and II; LYSOSOMAL ALPHA-D-MANNOSIDASE DEFICIENCY. Identifiers: Orphanet 61, MedGen C0024748, MONDO:0009561, OMIM 248500.

Allele frequency attached by ClinVar (database versions not stated): gnomAD exomes below 0.00001; gnomAD 0.00001; TOPMed 0.00003.
gnomAD v4.1: 2 of 1,613,958 alleles (0.00012%); highest among the groups gnomAD compares: Admixed American, 0.0033%; no homozygotes.

Submissions (2):

Ambry Genetics
Classification: Likely benign for Inborn genetic diseases. Last evaluated: 2025-08-06. Review status: criteria provided, single submitter. Criteria: Ambry Variant Classification Scheme 2023. Collection method: clinical testing. Allele origin: germline.

Labcorp Genetics (formerly Invitae), Labcorp
Classification: Uncertain significance for Deficiency of alpha-mannosidase. Last evaluated: 2022-07-05. Review status: criteria provided, single submitter. Criteria: Invitae Variant Classification Sherloc (09022015). Collection method: clinical testing. Allele origin: germline.
Comment: This sequence change replaces asparagine, which is neutral and polar, with serine, which is neutral and polar, at codon 185 of the MAN2B1 protein (p.Asn185Ser). This variant is not present in population databases (gnomAD no frequency). This variant has not been reported in the literature in individuals affected with MAN2B1-related conditions. Algorithms developed to predict the effect of missense changes on protein structure and function output the following: SIFT: "Tolerated"; PolyPhen-2: "Benign"; Align-GVGD: "Class C0". The serine amino acid residue is found in multiple mammalian species, which suggests that this missense change does not adversely affect protein function. In summary, the available evidence is currently insufficient to determine the role of this variant in disease. Therefore, it has been classified as a Variant of Uncertain Significance.